The following is an entry in ClinVar:

NM_018489.3(ASH1L):c.805G>A (p.Asp269Asn)

Gene: ASH1L (ASH1 like histone lysine methyltransferase; minus strand). Cytogenetic location: 1q22.
Variant type: single nucleotide variant.
Coding change: c.805G>A on transcript NM_018489.3 (MANE Select); coding-DNA position 805, G replaced by A.
Protein change: p.Asp269Asn; replaces aspartic acid 269 with asparagine.
Molecular consequence: missense variant.
Genome position (GRCh38, 1-based): chr1:155,482,065, C>T on the plus strand (G>A on the coding strand, the complement: ASH1L is on the minus strand). VCF-style: chr1-155482065-C-T. GRCh37 (hg19) VCF-style: chr1-155451856-C-T.
Other names: c.805G>A, p.Asp269Asn (NM_001366177.2); short protein forms D269N.
Identifiers: ClinVar variation 3371646 (VCV003371646.1).
Genomic context (GRCh38, chr1:155,482,065, plus strand): 5'-TCCCAGGATCTTTAGTTACCAATCCAACTGCTGTGCTGATGGTTGGCTTTTTTATTAAGT[C>T]CTTATGTATTATTCCAGCTACAGAGCCAACACCTGCTTTCCTGATCAAATCCTTGCTAAC-3'
Protein context (NP_060959.2, residues 259-279): VGSVAGIIHK[Asp269Asn]LIKKPTISTA

ClinVar aggregate classification (germline): Uncertain significance (1 of 4 stars; one submission).

gnomAD v4.1: 3 of 1,614,068 alleles (0.00019%); highest among the groups gnomAD compares: Non-Finnish European, 0.00025%; no homozygotes.

Submission:

GeneDx
Classification: Uncertain significance. Last evaluated: 2024-03-29. Review status: criteria provided, single submitter. Criteria: GeneDx Variant Classification Process June 2021. Collection method: clinical testing. Allele origin: germline. Affected: yes.
Comment: Not observed at significant frequency in large population cohorts (gnomAD); In silico analysis supports that this missense variant does not alter protein structure/function; Has not been previously published as pathogenic or benign to our knowledge